The following is an entry in ClinVar:

NM_000214.3(JAG1):c.482T>A (p.Ile161Asn)

Gene: JAG1 (jagged canonical Notch ligand 1; minus strand). Cytogenetic location: 20p12.2.
Variant type: single nucleotide variant.
Coding change: c.482T>A on transcript NM_000214.3 (MANE Select); coding-DNA position 482, T replaced by A.
Protein change: p.Ile161Asn; replaces isoleucine 161 with asparagine.
Molecular consequence: missense variant.
Genome position (GRCh38, 1-based): chr20:10,658,680, A>T on the plus strand (T>A on the coding strand, the complement: JAG1 is on the minus strand). VCF-style: chr20-10658680-A-T. GRCh37 (hg19) VCF-style: chr20-10639328-A-T.
Other names: short protein forms I161N.
Identifiers: ClinVar variation 3573039 (VCV003573039.2).

Conditions:
Arteriohepatic dysplasia. Also called: Alagille Syndrome. Identifiers: Orphanet 52, MedGen C0085280, MeSH D016738, MONDO:0007318.

Submission:

Gilbert/Spinner Lab, Children's Hospital of Philadelphia
No classification provided (evidence only). Condition: Alagille syndrome. Review status: no classification provided. Collection method: research. Allele origin: not applicable. Functional consequence: functionally_abnormal.
ClinVar note: "not provided" was previously submitted as the classification for the variant. However, the classification appeared to be based only on an observation of functional data so it was converted to no classification on 2025-07-30.